The following is an entry in ClinVar:

ClinVar aggregate classification (germline): Uncertain significance. Review status: criteria provided, multiple submitters, no conflicts (2 of 4 stars). 4 submissions from 4 submitters: Uncertain significance (4). Last evaluated 2024-11-11.

Conditions:
Cockayne syndrome type 1. Also called: Cockayne syndrome type I; Cockayne syndrome classical; Cockayne syndrome classic form. Identifiers: Orphanet 191, Orphanet 90321, MedGen C0751039, MONDO:0019569, OMIM 216400.
Inborn genetic diseases. Identifiers: MedGen C0950123, MeSH D030342.

Allele frequency attached by ClinVar (database versions not stated): TOPMed 0.00009; ExAC 0.00011; gnomAD 0.00013 and 0.00015; gnomAD exomes 0.00013 and 0.00016; ESP Exome Variant Server 0.00015.

Submissions (4):

Blueprint Genetics
Classification: Uncertain significance. Last evaluated: 2024-11-11. Review status: criteria provided, single submitter. Criteria: ACMG Guidelines, 2015. Collection method: clinical testing. Allele origin: germline.

Ambry Genetics
Classification: Uncertain significance for Inborn genetic diseases. Last evaluated: 2024-03-21. Review status: criteria provided, single submitter. Criteria: Ambry Variant Classification Scheme 2023. Collection method: clinical testing. Allele origin: germline.

Labcorp Genetics (formerly Invitae), Labcorp
Classification: Uncertain significance. Last evaluated: 2022-09-12. Review status: criteria provided, single submitter. Criteria: Invitae Variant Classification Sherloc (09022015). Collection method: clinical testing. Allele origin: germline.
Comment: This sequence change replaces asparagine, which is neutral and polar, with serine, which is neutral and polar, at codon 357 of the ERCC8 protein (p.Asn357Ser). This variant is present in population databases (rs199590588, gnomAD 0.02%). This variant has not been reported in the literature in individuals affected with ERCC8-related conditions. ClinVar contains an entry for this variant (Variation ID: 354014). Advanced modeling of protein sequence and biophysical properties (such as structural, functional, and spatial information, amino acid conservation, physicochemical variation, residue mobility, and thermodynamic stability) performed at Invitae indicates that this missense variant is not expected to disrupt ERCC8 protein function. In summary, the available evidence is currently insufficient to determine the role of this variant in disease. Therefore, it has been classified as a Variant of Uncertain Significance.

Illumina Laboratory Services, Illumina
Classification: Uncertain significance for Cockayne syndrome type 1. Last evaluated: 2018-01-13. Review status: criteria provided, single submitter. Criteria: ICSL Variant Classification Criteria 13 December 2019. Collection method: clinical testing. Allele origin: germline.

NM_000082.4(ERCC8):c.1070A>G (p.Asn357Ser)

Gene: ERCC8 (ERCC excision repair 8, CSA ubiquitin ligase complex subunit; minus strand). Cytogenetic location: 5q12.1.
Variant type: single nucleotide variant.
Coding change: c.1070A>G on transcript NM_000082.4 (MANE Select); coding-DNA position 1070, A replaced by G.
Protein change: p.Asn357Ser; replaces asparagine 357 with serine.
Molecular consequence: missense variant.
Genome position (GRCh38, 1-based): chr5:60,887,492, T>C on the plus strand (A>G on the coding strand, the complement: ERCC8 is on the minus strand). VCF-style: chr5-60887492-T-C. GRCh37 (hg19) VCF-style: chr5-60183319-T-C.
Other names: c.896A>G, p.Asn299Ser (NM_001007233.3); c.611A>G, p.Asn204Ser (NM_001290285.2); short protein forms N357S, N204S, N299S.
Identifiers: ClinVar variation 354014 (VCV000354014.8), dbSNP rs199590588, ClinGen allele CA3277632.
Genomic context (GRCh38, chr5:60,887,492, plus strand): 5'-ATATTTACCTCATCATCATCAGGAACTGGTTCATATAAGGATGGAACCCAAGCCAGAATG[T>C]TGCAGTCTCTGCTACCACTATAAAGTTCCTATAACATAGAAGGCAAAGATGATACTGTGG-3'
Protein context (NP_000073.1, residues 347-367): QELYSGSRDC[Asn357Ser]ILAWVPSLYE